The following is an entry in ClinVar:

ClinVar aggregate classification (germline): Likely pathogenic (1 of 4 stars; one submission).

Allele frequency attached by ClinVar (database versions not stated): gnomAD exomes below 0.00001; TOPMed below 0.00001.
gnomAD v4.1: 2 of 1,613,686 alleles (0.00012%); highest among the groups gnomAD compares: Admixed American, 0.0033%; no homozygotes.

Submission:

GeneDx
Classification: Likely pathogenic. Last evaluated: 2023-10-09. Review status: criteria provided, single submitter. Criteria: GeneDx Variant Classification Process June 2021. Collection method: clinical testing. Allele origin: germline. Affected: yes.
Comment: Published functional studies demonstrate this variant significantly impacts voltage-gated chloride channel function (Keck et al., 2013); In silico analysis supports that this missense variant has a deleterious effect on protein structure/function; This variant is associated with the following publications: (PMID: 28555925, 28775266, 32256370, 28381550, 29442545, 25810436, 23703872)

NM_000085.5(CLCNKB):c.736G>C (p.Gly246Arg)

Genes: CLCNKB (chloride voltage-gated channel Kb; plus strand), LOC106501713 (CLCNKB recombination region; plus strand). Cytogenetic location: 1p36.13.
Variant type: single nucleotide variant.
Coding change: c.736G>C on transcript NM_000085.5 (MANE Select); coding-DNA position 736, G replaced by C.
Protein change: p.Gly246Arg; replaces glycine 246 with arginine.
Molecular consequence: missense variant.
Genome position (GRCh38, 1-based): chr1:16,049,200, G>C. VCF-style: chr1-16049200-G-C. GRCh37 (hg19) VCF-style: chr1-16375695-G-C.
Other names: c.229G>C, p.Gly77Arg (NM_001165945.2); short protein forms G246R, G77R.
Identifiers: ClinVar variation 3253068 (VCV003253068.1), dbSNP rs1299080019.
Genomic context (GRCh38, chr1:16,049,200, plus strand): 5'-GTCATGTCTTCCCACTTCTCTGTCTGGGATTACTGGAGGGGCTTCTTTGCGGCCACCTGC[G>C]GGGCCTTCATGTTCCGGCTCCTGGCGGTCTTCAACAGCGAGCAGGGTGAGCCCCCTGGGC-3'
Protein context (NP_000076.2, residues 236-256): YWRGFFAATC[Gly246Arg]AFMFRLLAVF